The following is an entry in ClinVar:

ClinVar aggregate classification (germline): Uncertain significance (1 of 4 stars; one submission).

Conditions:
Cardiovascular phenotype. Identifiers: MedGen CN230736.

Allele frequency attached by ClinVar (database versions not stated): gnomAD exomes below 0.00001.
gnomAD v4.1: 1 of 1,613,830 alleles (0.000062%); highest among the groups gnomAD compares: Non-Finnish European, 0.000085%; no homozygotes.

Submission:

Ambry Genetics
Classification: Uncertain significance for Cardiovascular phenotype. Last evaluated: 2021-11-09. Review status: criteria provided, single submitter. Criteria: Ambry Variant Classification Scheme 2023. Collection method: clinical testing. Allele origin: germline.
Comment: The p.Y87D variant (also known as c.259T>G), located in coding exon 4 of the DSG2 gene, results from a T to G substitution at nucleotide position 259. The tyrosine at codon 87 is replaced by aspartic acid, an amino acid with highly dissimilar properties. This amino acid position is conserved. In addition, this alteration is predicted to be deleterious by in silico analysis. Since supporting evidence is limited at this time, the clinical significance of this alteration remains unclear.

NM_001943.5(DSG2):c.259T>G (p.Tyr87Asp)

Gene: DSG2 (desmoglein 2; plus strand). Cytogenetic location: 18q12.1.
Variant type: single nucleotide variant.
Coding change: c.259T>G on transcript NM_001943.5 (MANE Select); coding-DNA position 259, T replaced by G.
Protein change: p.Tyr87Asp; replaces tyrosine 87 with aspartic acid.
Molecular consequence: missense variant.
Genome position (GRCh38, 1-based): chr18:31,520,845, T>G. VCF-style: chr18-31520845-T-G. GRCh37 (hg19) VCF-style: chr18-29100808-T-G.
Other names: short protein forms Y87D.
Identifiers: ClinVar variation 1793631 (VCV001793631.2), dbSNP rs2073123289, ClinGen allele CA402131336.